The following is an entry in ClinVar:

NM_001386393.1(PANK2):c.203C>T (p.Ser68Leu)

Genes: PANK2 (pantothenate kinase 2; plus strand), LOC130065345 (ATAC-STARR-seq lymphoblastoid silent region 12635; plus strand). Cytogenetic location: 20p13.
Variant type: single nucleotide variant.
Coding change: c.203C>T on transcript NM_001386393.1 (MANE Select); coding-DNA position 203, C replaced by T.
Protein change: p.Ser68Leu; replaces serine 68 with leucine.
Molecular consequence: missense variant. On other transcripts: 5 prime UTR variant (1), non-coding transcript variant (1), intron variant (1).
Genome position (GRCh38, 1-based): chr20:3,889,633, C>T. VCF-style: chr20-3889633-C-T. GRCh37 (hg19) VCF-style: chr20-3870280-C-T.
Other names: c.533C>T (NM_153638.3); c.-509C>T (NM_001324191.2); c.533C>T, p.Ser178Leu (NM_001324192.1, NM_153638.4); c.-246+729C>T (NM_024960.6); short protein forms S68L, S178L.
Identifiers: ClinVar variation 1035195 (VCV001035195.5), dbSNP rs137852969, ClinGen allele CA408141894.
Genomic context (GRCh38, chr20:3,889,633, plus strand): 5'-GGCGGCAGGAGCCACTGCGGCGCCGGGCGAGCAGCGCGTCGGTGCCCGCGGTCGGGGCCT[C>T]GGCTGAGGGCACGAGGCGGGATCGACTGGGCTCTTACAGCGGCCCCACCTCGGTCTCCCG-3'
Protein context (NP_001373322.1, residues 58-78): SSASVPAVGA[Ser68Leu]AEGTRRDRLG

ClinVar aggregate classification (germline): Uncertain significance. Review status: criteria provided, multiple submitters, no conflicts (2 of 4 stars). 2 submissions from 2 submitters: Uncertain significance (2). Last evaluated 2025-01-15.

Conditions:
Pigmentary pallidal degeneration (NBIA1). Also called: Neurodegeneration with brain iron accumulation 1; PKAN NEUROAXONAL DYSTROPHY, JUVENILE-ONSET; Neuroaxonal dystrophy, late infantile; Hallervorden-Spatz disease; HARP SYNDROME; Pantothenate Kinase-Associated Neurodegeneration. Identifiers: Orphanet 157850, MedGen C0018523, MONDO:0009319, OMIM 234200.

Allele frequency attached by ClinVar (database versions not stated): gnomAD exomes 0.00001; gnomAD 0.00002.
gnomAD v4.1: 20 of 1,568,632 alleles (0.0013%); highest among the groups gnomAD compares: South Asian, 0.0023%; no homozygotes.

Submissions (2):

Labcorp Genetics (formerly Invitae), Labcorp
Classification: Uncertain significance for Pigmentary pallidal degeneration. Last evaluated: 2025-01-15. Review status: criteria provided, single submitter. Criteria: Invitae Variant Classification Sherloc (09022015). Collection method: clinical testing. Allele origin: germline.
Comment: This sequence change replaces serine, which is neutral and polar, with leucine, which is neutral and non-polar, at codon 178 of the PANK2 protein (p.Ser178Leu). The frequency data for this variant in the population databases is considered unreliable, as metrics indicate poor data quality at this position in the gnomAD database. This variant has not been reported in the literature in individuals affected with PANK2-related conditions. ClinVar contains an entry for this variant (Variation ID: 1035195). Invitae Evidence Modeling of protein sequence and biophysical properties (such as structural, functional, and spatial information, amino acid conservation, physicochemical variation, residue mobility, and thermodynamic stability) indicates that this missense variant is not expected to disrupt PANK2 protein function with a negative predictive value of 95%. In summary, the available evidence is currently insufficient to determine the role of this variant in disease. Therefore, it has been classified as a Variant of Uncertain Significance.

Women's Health and Genetics/Laboratory Corporation of America, LabCorp
Classification: Uncertain significance. Last evaluated: 2023-08-01. Review status: criteria provided, single submitter. Criteria: LabCorp Variant Classification Summary - May 2015. Collection method: clinical testing. Allele origin: germline.